The following is an entry in ClinVar:

NM_203447.4(DOCK8):c.2408C>T (p.Ser803Phe)

Gene: DOCK8 (dedicator of cytokinesis 8; plus strand). Cytogenetic location: 9p24.3.
Variant type: single nucleotide variant.
Coding change: c.2408C>T on transcript NM_203447.4 (MANE Select); coding-DNA position 2408, C replaced by T.
Protein change: p.Ser803Phe; replaces serine 803 with phenylalanine.
Molecular consequence: missense variant.
Genome position (GRCh38, 1-based): chr9:377,179, C>T. VCF-style: chr9-377179-C-T. GRCh37 (hg19) VCF-style: chr9-377179-C-T.
Other names: c.2204C>T, p.Ser735Phe (NM_001190458.2, NM_001193536.2); short protein forms S735F, S803F.
Identifiers: ClinVar variation 1020355 (VCV001020355.9), dbSNP rs1478560138, ClinGen allele CA372763520.

ClinVar aggregate classification (germline): Uncertain significance (1 of 4 stars; one submission).

Conditions:
Combined immunodeficiency due to DOCK8 deficiency (HIES2). Also called: HIES autosomal recessive; DOCK8 Deficiency; Hyper-IgE recurrent infection syndrome, autosomal recessive; HYPER-IgE RECURRENT INFECTION SYNDROME 2, AUTOSOMAL RECESSIVE; HYPER-IgE SYNDROME 2, AUTOSOMAL RECESSIVE, WITH RECURRENT INFECTIONS. Identifiers: Orphanet 217390, MedGen C4722305, MONDO:0009478, OMIM 243700.

Allele frequency attached by ClinVar (database versions not stated): gnomAD exomes below 0.00001 and 0.00001; TOPMed below 0.00001; gnomAD 0.00001.

Submission:

Labcorp Genetics (formerly Invitae), Labcorp
Classification: Uncertain significance for Combined immunodeficiency due to DOCK8 deficiency. Last evaluated: 2024-04-30. Review status: criteria provided, single submitter. Criteria: Invitae Variant Classification Sherloc (09022015). Collection method: clinical testing. Allele origin: germline.
Comment: This sequence change replaces serine, which is neutral and polar, with phenylalanine, which is neutral and non-polar, at codon 803 of the DOCK8 protein (p.Ser803Phe). The frequency data for this variant in the population databases is considered unreliable, as metrics indicate poor data quality at this position in the gnomAD database. This variant has not been reported in the literature in individuals affected with DOCK8-related conditions. ClinVar contains an entry for this variant (Variation ID: 1020355). Advanced modeling of protein sequence and biophysical properties (such as structural, functional, and spatial information, amino acid conservation, physicochemical variation, residue mobility, and thermodynamic stability) performed at Invitae indicates that this missense variant is not expected to disrupt DOCK8 protein function with a negative predictive value of 80%. In summary, the available evidence is currently insufficient to determine the role of this variant in disease. Therefore, it has been classified as a Variant of Uncertain Significance.